The following is an entry in ClinVar:

ClinVar aggregate classification (germline): Uncertain significance (1 of 4 stars; one submission).

Conditions:
Fanconi anemia (FA). Also called: Fanconi's anemia. Identifiers: Orphanet 84, MedGen C0015625, MeSH D005199, MONDO:0019391.

Allele frequency attached by ClinVar (database versions not stated): gnomAD exomes 0.00001.
gnomAD v4.1: 4 of 1,614,146 alleles (0.00025%); highest among the groups gnomAD compares: Non-Finnish European, 0.00034%; no homozygotes.

Submission:

Labcorp Genetics (formerly Invitae), Labcorp
Classification: Uncertain significance for Fanconi anemia. Last evaluated: 2021-08-04. Review status: criteria provided, single submitter. Criteria: Invitae Variant Classification Sherloc (09022015). Collection method: clinical testing. Allele origin: germline.
Comment: This variant has not been reported in the literature in individuals affected with FANCM-related conditions. This variant is not present in population databases (ExAC no frequency). This sequence change replaces arginine with glycine at codon 100 of the FANCM protein (p.Arg100Gly). The arginine residue is weakly conserved and there is a moderate physicochemical difference between arginine and glycine. In summary, the available evidence is currently insufficient to determine the role of this variant in disease. Therefore, it has been classified as a Variant of Uncertain Significance. Algorithms developed to predict the effect of missense changes on protein structure and function are either unavailable or do not agree on the potential impact of this missense change (SIFT: "Deleterious"; PolyPhen-2: "Benign"; Align-GVGD: "Class C0").

NM_020937.4(FANCM):c.298C>G (p.Arg100Gly)

Gene: FANCM (FA complementation group M; plus strand). Cytogenetic location: 14q21.2.
Variant type: single nucleotide variant.
Coding change: c.298C>G on transcript NM_020937.4 (MANE Select); coding-DNA position 298, C replaced by G.
Protein change: p.Arg100Gly; replaces arginine 100 with glycine.
Molecular consequence: missense variant.
Genome position (GRCh38, 1-based): chr14:45,136,329, C>G. VCF-style: chr14-45136329-C-G. GRCh37 (hg19) VCF-style: chr14-45605532-C-G.
Other names: c.298C>G, p.Arg100Gly (NM_001308133.2, NM_001308134.2); short protein forms R100G.
Identifiers: ClinVar variation 1519151 (VCV001519151.6), dbSNP rs1438436722, ClinGen allele CA389587784.